The following is an entry in ClinVar:

ClinVar aggregate classification (germline): Uncertain significance (1 of 4 stars; one submission).

Conditions:
Intellectual developmental disorder, autosomal recessive 27. Also called: Mental retardation, autosomal recessive 27; Intellectual disability, autosomal recessive 27. Identifiers: Orphanet 88616, MedGen C3280538, MONDO:0013702, OMIM 614340.

Submission:

Institute of Human Genetics, University of Leipzig Medical Center
Classification: Uncertain significance for Intellectual developmental disorder, autosomal recessive 27. Last evaluated: 2020-03-01. Review status: criteria provided, single submitter. Criteria: ACMG Guidelines, 2015. Collection method: clinical testing. Allele origin: biparental. Inheritance: Autosomal recessive inheritance. Affected: yes.
Comment: Review of the variants reported in Reuter et al., 2017, PMID: 28097321: PM2,PM3_Supporting,PM4

NM_001040616.3(LINS1):c.786_842del (p.Arg263_Ser281del)

Gene: LINS1 (lines homolog 1; minus strand). Cytogenetic location: 15q26.3.
Variant type: Deletion.
Coding change: c.786_842del on transcript NM_001040616.3 (MANE Select); coding-DNA positions 786 to 842, 57 bases deleted.
Protein change: p.Arg263_Ser281del.
Molecular consequence: inframe deletion. On other transcripts: non-coding transcript variant (3).
Genome position (GRCh38, 1-based): chr15:100,574,031-100,574,087, 57 bases deleted. GRCh37 (hg19): chr15:101,114,238-101,114,294.
Other names: c.39_95del, p.Arg14_Ser32del (NM_001352507.2); c.741_797del, p.Arg248_Ser266del (NM_001352508.2).
Identifiers: ClinVar variation 984698 (VCV000984698.1), dbSNP rs2038007278, ClinGen allele CA1139664208.